The following is an entry in ClinVar:

ClinVar aggregate classification (germline): Pathogenic. Review status: criteria provided, multiple submitters, no conflicts (2 of 4 stars). 7 submissions from 7 submitters: Pathogenic (7). Last evaluated 2026-02-19.

Conditions:
Polycystic kidney disease, adult type (PKD1). Also called: Polycystic Kidney Disease 1, Autosomal Dominant; Polycystic kidney disease 1; Polycystic kidney disease 1, severe; Polycystic Kidney, Autosomal Dominant; POLYCYSTIC KIDNEY DISEASE 1 WITH OR WITHOUT POLYCYSTIC LIVER DISEASE; POLYCYSTIC KIDNEY DISEASE, ADULT, TYPE I. Identifiers: MedGen C3149841, MONDO:0008263, OMIM 173900.
PKD1-related disorder. Also called: PKD1-related condition.

Submissions (7):

GeneDx
Classification: Pathogenic. Last evaluated: 2026-02-19. Review status: criteria provided, single submitter. Criteria: GeneDx Variant Classification Process June 2021. Collection method: clinical testing. Allele origin: germline.
Comment: Nonsense variant predicted to result in protein truncation or nonsense mediated decay in a gene for which loss of function is a known mechanism of disease; Not observed at significant frequency in large population cohorts (gnomAD); This variant is associated with the following publications: (PMID: 30545397, 29606500)

Institute of Immunology and Genetics Kaiserslautern
Classification: Pathogenic for Polycystic kidney disease, adult type. Last evaluated: 2025-10-13. Review status: criteria provided, single submitter. Criteria: ACMG Guidelines, 2015. Collection method: clinical testing. Allele origin: germline. Affected: yes.
Comment: ACMG Criteria: PVS1, PM2, PP5 ; Variant was found in heterozygous state.

Fulgent Genetics
Classification: Pathogenic for Polycystic kidney disease, adult type. Last evaluated: 2024-04-23. Review status: criteria provided, single submitter. Criteria: ACMG Guidelines, 2015. Collection method: clinical testing. Allele origin: germline.

MVZ Medizinische Genetik Mainz
Classification: Pathogenic for Polycystic kidney disease, adult type. Last evaluated: 2024-03-27. Review status: criteria provided, single submitter. Criteria: UK Practice Guidelines For Variant Classification V4 01 2020. Collection method: clinical testing. Allele origin: germline. Inheritance: Autosomal dominant inheritance. Affected: yes. Observed: 1 variant allele.
Comment: ACMG Criteria: PVS1,PS4_MOD,PM2_SUP,PP4

Blueprint Genetics
Classification: Pathogenic for PKD1-related disorders. Last evaluated: 2021-12-11. Review status: criteria provided, single submitter. Criteria: ACMG Guidelines, 2015. Collection method: clinical testing. Allele origin: germline. Affected: yes. Observed: 2 variant alleles.

Department of Pathology and Laboratory Medicine, Sinai Health System
Classification: Pathogenic for Polycystic kidney disease, adult type. Last evaluated: 2020-11-24. Review status: criteria provided, single submitter. Criteria: ACMG Guidelines, 2015. Collection method: clinical testing. Allele origin: germline. Affected: yes.

Mendelics
Classification: Pathogenic for Polycystic kidney disease, adult type. Last evaluated: 2019-05-28. Review status: criteria provided, single submitter. Criteria: Mendelics Assertion Criteria 2017. Collection method: clinical testing. Allele origin: unknown.

NM_001009944.3(PKD1):c.8767C>T (p.Gln2923Ter)

Gene: PKD1 (polycystin 1, transient receptor potential channel interacting; minus strand). Cytogenetic location: 16p13.3.
Variant type: single nucleotide variant.
Coding change: c.8767C>T on transcript NM_001009944.3 (MANE Select); coding-DNA position 8767, C replaced by T.
Protein change: p.Gln2923Ter; replaces glutamine 2923 with a stop codon.
Molecular consequence: nonsense.
Genome position (GRCh38, 1-based): chr16:2,103,290, G>A on the plus strand (C>T on the coding strand, the complement: PKD1 is on the minus strand). VCF-style: chr16-2103290-G-A. GRCh37 (hg19) VCF-style: chr16-2153291-G-A.
Other names: c.8767C>T, p.Gln2923Ter (NM_000296.4); short protein forms Q2923*.
Identifiers: ClinVar variation 803161 (VCV000803161.9), dbSNP rs747638599, ClinGen allele CA394362105.